The following is an entry in ClinVar:

NM_138927.4(SON):c.6131G>A (p.Gly2044Asp)

Gene: SON (SON DNA and RNA binding protein; plus strand). Cytogenetic location: 21q22.11.
Variant type: single nucleotide variant.
Coding change: c.6131G>A on transcript NM_138927.4 (MANE Select); coding-DNA position 6131, G replaced by A.
Protein change: p.Gly2044Asp; replaces glycine 2044 with aspartic acid.
Molecular consequence: missense variant. On other transcripts: non-coding transcript variant (1), intron variant (1).
Genome position (GRCh38, 1-based): chr21:33,555,362, G>A. VCF-style: chr21-33555362-G-A. GRCh37 (hg19) VCF-style: chr21-34927668-G-A.
Other names: c.6131G>A, p.Gly2044Asp (NM_001291411.2, NM_032195.3); c.245-1794G>A (NM_001291412.3); short protein forms G2044D.
Identifiers: ClinVar variation 4766159 (VCV004766159.1).

ClinVar aggregate classification (germline): Uncertain significance (1 of 4 stars; one submission).

Submission:

Labcorp Genetics (formerly Invitae), Labcorp
Classification: Uncertain significance. Last evaluated: 2025-05-22. Review status: criteria provided, single submitter. Criteria: Invitae Variant Classification Sherloc (09022015). Collection method: clinical testing. Allele origin: germline.
Comment: This sequence change replaces glycine, which is neutral and non-polar, with aspartic acid, which is acidic and polar, at codon 2044 of the SON protein (p.Gly2044Asp). This variant is not present in population databases (gnomAD no frequency). This variant has not been reported in the literature in individuals affected with SON-related conditions. Experimental studies and prediction algorithms are not available or were not evaluated, and the functional significance of this variant is currently unknown. In summary, the available evidence is currently insufficient to determine the role of this variant in disease. Therefore, it has been classified as a Variant of Uncertain Significance.